The following is an entry in ClinVar:

NM_004655.4(AXIN2):c.2508G>A (p.Leu836=)

Gene: AXIN2 (axin 2; minus strand). Cytogenetic location: 17q24.1.
Variant type: single nucleotide variant.
Coding change: c.2508G>A on transcript NM_004655.4 (MANE Select); coding-DNA position 2508, G replaced by A.
Protein change: p.Leu836=; no amino-acid change (leucine 836 retained).
Molecular consequence: synonymous variant.
Genome position (GRCh38, 1-based): chr17:65,530,000, C>T on the plus strand (G>A on the coding strand, the complement: AXIN2 is on the minus strand). VCF-style: chr17-65530000-C-T. GRCh37 (hg19) VCF-style: chr17-63526118-C-T.
Other names: c.2313G>A, p.Leu771= (NM_001363813.1).
Identifiers: ClinVar variation 766674 (VCV000766674.15), dbSNP rs1598089930, ClinGen allele CA501475698.

ClinVar aggregate classification (germline): Conflicting classifications of pathogenicity. Review status: criteria provided, conflicting classifications (1 of 4 stars). 4 submissions from 4 submitters: Uncertain significance (1); Benign (1); Likely benign (2). Last evaluated 2025-03-13.

Conditions:
Hereditary cancer-predisposing syndrome. Also called: Tumor predisposition; Neoplastic Syndromes, Hereditary; Hereditary Cancer Syndrome; Hereditary neoplastic syndrome. Identifiers: Orphanet 140162, MedGen C0027672, MeSH D009386, MONDO:0015356.
Oligodontia-cancer predisposition syndrome. Also called: TOOTH AGENESIS-COLORECTAL CANCER SYNDROME. Identifiers: Orphanet 300576, MedGen C1837750, MONDO:0012075, OMIM 608615. Disease mechanism: loss of function.

Allele frequency attached by ClinVar (database versions not stated): gnomAD exomes below 0.00001.
gnomAD v4.1: 1 of 1,614,190 alleles (0.000062%); highest among the groups gnomAD compares: Non-Finnish European, 0.000085%; no homozygotes.

Submissions (4):

Labcorp Genetics (formerly Invitae), Labcorp
Classification: Likely benign for Oligodontia-cancer predisposition syndrome. Last evaluated: 2025-03-13. Review status: criteria provided, single submitter. Criteria: Invitae Variant Classification Sherloc (09022015). Collection method: clinical testing. Allele origin: germline.

Myriad Genetics, Inc.
Classification: Benign for Oligodontia-cancer predisposition syndrome. Last evaluated: 2024-07-11. Review status: criteria provided, single submitter. Criteria: Myriad Autosomal Dominant, Autosomal Recessive and X-Linked Classification Criteria (2023). Collection method: clinical testing. Allele origin: unknown.
Comment: This variant is considered benign. This variant is a silent/synonymous amino acid change and it is not expected to impact splicing.

Ambry Genetics
Classification: Likely benign for Hereditary cancer-predisposing syndrome. Last evaluated: 2022-05-07. Review status: criteria provided, single submitter. Criteria: Ambry Variant Classification Scheme 2023. Collection method: clinical testing. Allele origin: germline.

GeneDx
Classification: Uncertain significance. Last evaluated: 2021-03-18. Review status: criteria provided, single submitter. Criteria: GeneDx Variant Classification Process June 2021. Collection method: clinical testing. Allele origin: germline. Affected: yes.
Comment: Not observed in large population cohorts (Lek 2016); In silico analysis supports that this variant does not alter splicing; Has not been previously published as pathogenic or benign to our knowledge